The following is an entry in ClinVar:

NM_000158.4(GBE1):c.231C>T (p.Gly77=)

Gene: GBE1 (1,4-alpha-glucan branching enzyme 1; minus strand). Cytogenetic location: 3p12.2.
Variant type: single nucleotide variant.
Coding change: c.231C>T on transcript NM_000158.4 (MANE Select); coding-DNA position 231, C replaced by T.
Protein change: p.Gly77=; no amino-acid change (glycine 77 retained).
Molecular consequence: synonymous variant.
Genome position (GRCh38, 1-based): chr3:81,705,526, G>A on the plus strand (C>T on the coding strand, the complement: GBE1 is on the minus strand). VCF-style: chr3-81705526-G-A. GRCh37 (hg19) VCF-style: chr3-81754677-G-A.
Identifiers: ClinVar variation 794403 (VCV000794403.10), dbSNP rs375359843, ClinGen allele CA2500030.
Genomic context (GRCh38, chr3:81,705,526, plus strand): 5'-TCCTTCTGCTCCCGGGGCCCATTCTTTGCAGTATAAACCACCATCAGCACATCTGTGGAC[G>A]CCAAATGATTCATAGCCTCTGGAAAACTTATCAATACCACCTTCATTTTCTCCAATGTTC-3'
Protein context (NP_000149.4, residues 67-87): DKFSRGYESF[Gly77=]VHRCADGGLY

ClinVar aggregate classification (germline): Likely benign. Review status: criteria provided, multiple submitters, no conflicts (2 of 4 stars). 2 submissions from 2 submitters: Likely benign (2). Last evaluated 2026-09-01.

Conditions:
Glycogen storage disease, type IV (GSD4). Also called: Glycogen storage disease due to glycogen branching enzyme deficiency; AMYLOPECTINOSIS; ANDERSEN DISEASE; BRANCHER DEFICIENCY; CIRRHOSIS, FAMILIAL, WITH DEPOSITION OF ABNORMAL GLYCOGEN; GBE1 DEFICIENCY. Identifiers: Orphanet 367, MedGen C0017923, MONDO:0009292, OMIM 232500.
Glycogen storage disease IV, classic hepatic. Also called: GSD IV, CLASSIC HEPATIC. Identifiers: MedGen C1856301.

Allele frequency attached by ClinVar (database versions not stated): gnomAD 0.00003 and 0.00004; gnomAD exomes 0.00003 and 0.00005; TOPMed 0.00003; ExAC 0.00006; ESP Exome Variant Server 0.00008.
gnomAD v4.1: 78 of 1,600,926 alleles (0.0049%); highest among the groups gnomAD compares: Non-Finnish European, 0.0063%; no homozygotes.

Submissions (2):

CeGaT Center for Human Genetics Tuebingen
Classification: Likely benign. Last evaluated: 2026-09-01. Review status: criteria provided, single submitter. Criteria: CeGaT Center For Human Genetics Tuebingen Variant Classification Criteria Version 2. Collection method: clinical testing. Allele origin: germline. Affected: yes. Observed: 1 variant allele.
Comment: GBE1: BP4, BP7

Labcorp Genetics (formerly Invitae), Labcorp
Classification: Likely benign for Glycogen storage disease, type IV; Glycogen storage disease IV, classic hepatic. Last evaluated: 2025-12-24. Review status: criteria provided, single submitter. Criteria: Invitae Variant Classification Sherloc (09022015). Collection method: clinical testing. Allele origin: germline.